The following is an entry in ClinVar:

NM_005857.5(ZMPSTE24):c.1312C>T (p.Leu438Phe)

Gene: ZMPSTE24 (zinc metallopeptidase STE24; plus strand). Cytogenetic location: 1p34.2.
Variant type: single nucleotide variant.
Coding change: c.1312C>T on transcript NM_005857.5 (MANE Select); coding-DNA position 1312, C replaced by T.
Protein change: p.Leu438Phe; replaces leucine 438 with phenylalanine.
Molecular consequence: missense variant.
Genome position (GRCh38, 1-based): chr1:40,292,553, C>T. VCF-style: chr1-40292553-C-T. GRCh37 (hg19) VCF-style: chr1-40758225-C-T.
Other names: c.1312C>T (LRG_212t1); short protein forms L438F.
Identifiers: ClinVar variation 140518 (VCV000140518.5), dbSNP rs116771294, ClinGen allele CA232732.

ClinVar aggregate classification (germline): Conflicting classifications of pathogenicity. Review status: criteria provided, conflicting classifications (1 of 4 stars). 3 submissions from 3 submitters: Likely pathogenic (1); Uncertain significance (1). 1 of the submissions does not count toward it. Last evaluated 2025-04-29.

Conditions:
Mandibuloacral dysplasia with type B lipodystrophy (MADB). Also called: LIPODYSTROPHY, TYPE B, ASSOCIATED WITH MANDIBULOACRAL DYSPLASIA. Identifiers: Orphanet 2457, Orphanet 90154, MedGen C1837756, MONDO:0012074, OMIM 608612.

Allele frequency attached by ClinVar (database versions not stated): gnomAD exomes 0.00004 and 0.00008; gnomAD 0.00010 and 0.00012; 1000 Genomes Project 30x 0.00078; 1000 Genomes Project 0.00100; ExAC 0.00008; TOPMed 0.00008.
gnomAD v4.1: 95 of 1,614,150 alleles (0.0059%); highest among the groups gnomAD compares: East Asian, 0.16%; 1 homozygote.

Submissions (3):

Variantyx, Inc.
Classification: Likely pathogenic for Mandibuloacral dysplasia with type B lipodystrophy. Last evaluated: 2025-04-29. Review status: criteria provided, single submitter. Criteria: Variantyx Assertion Criteria 2022. Collection method: clinical testing. Allele origin: germline. Inheritance: Autosomal recessive inheritance.
Comment: This is a nonsynonymous variant in the ZMPSTE24 gene (OMIM: 606480). Pathogenic variants in this gene have been associated with autosomal recessive mandibuloacral dysplasia with type B lipodystrophy. Functional studies have shown that this variant alters ZMPSTE24 protein function (PMID: 22718200, 29794150, 27120622) (PS3) and multiple computational algorithms predict a deleterious effect for this variant (REVEL score: 0.865) (PP3). This variant has a 0.1604% maximum allele frequency in non-founder control populations. Based on the current evidence, this variant is classified as likely pathogenic for autosomal recessive mandibuloacral dysplasia with type B lipodystrophy.

Labcorp Genetics (formerly Invitae), Labcorp
Classification: Uncertain significance. Last evaluated: 2024-12-02. Review status: criteria provided, single submitter. Criteria: Invitae Variant Classification Sherloc (09022015). Collection method: clinical testing. Allele origin: germline.
Comment: This sequence change replaces leucine with phenylalanine at codon 438 of the ZMPSTE24 protein (p.Leu438Phe). The leucine residue conservation data is unavailable and there is a small physicochemical difference between leucine and phenylalanine. This variant is present in population databases (rs116771294, gnomAD 0.1%). This missense change has been observed in individual(s) with Mandibuloacral dysplasia with lipodystrophy (PMID: 1724554, 32041611). ClinVar contains an entry for this variant (Variation ID: 140518). Invitae Evidence Modeling of protein sequence and biophysical properties (such as structural, functional, and spatial information, amino acid conservation, physicochemical variation, residue mobility, and thermodynamic stability) indicates that this missense variant is expected to disrupt ZMPSTE24 protein function with a positive predictive value of 80%. Experimental studies have shown that this missense change affects ZMPSTE24 function (PMID: 22718200, 29794150). In summary, the available evidence is currently insufficient to determine the role of this variant in disease. Therefore, it has been classified as a Variant of Uncertain Significance.

ZMPSTE24 homepage - Leiden Muscular Dystrophy pages
No classification provided. Review status: no classification provided. Collection method: not provided. Allele origin: germline. Not counted in ClinVar's aggregate classification.
Comment: probably has functional consequence

Literature cited by the submitters: PubMed 22718200 (cited by Variantyx, Inc. and Labcorp Genetics (formerly Invitae), Labcorp); PubMed 29794150 (cited by Variantyx, Inc. and Labcorp Genetics (formerly Invitae), Labcorp); PubMed 27120622 (cited by Variantyx, Inc.); PubMed 1724554 (cited by Labcorp Genetics (formerly Invitae), Labcorp); PubMed 32041611 (cited by Labcorp Genetics (formerly Invitae), Labcorp).